The following is an entry in ClinVar:

NM_005148.4(UNC119):c.7G>C (p.Val3Leu)

Genes: UNC119 (unc-119 lipid binding chaperone; minus strand), LOC130060555 (ATAC-STARR-seq lymphoblastoid silent region 8343; plus strand). Cytogenetic location: 17q11.2.
Variant type: single nucleotide variant.
Coding change: c.7G>C on transcript NM_005148.4 (MANE Select); coding-DNA position 7, G replaced by C.
Protein change: p.Val3Leu; replaces valine 3 with leucine.
Molecular consequence: missense variant. On other transcripts: 5 prime UTR variant (1).
Genome position (GRCh38, 1-based): chr17:28,552,551, C>G on the plus strand (G>C on the coding strand, the complement: UNC119 is on the minus strand). VCF-style: chr17-28552551-C-G. GRCh37 (hg19) VCF-style: chr17-26879569-C-G.
Other names: c.-307G>C (NM_001330166.2); c.7G>C, p.Val3Leu (NM_054035.2); short protein forms V3L.
Identifiers: ClinVar variation 1039575 (VCV001039575.3), dbSNP rs1401601451, ClinGen allele CA398336990.

ClinVar aggregate classification (germline): Uncertain significance (1 of 4 stars; one submission).

Allele frequency attached by ClinVar (database versions not stated): gnomAD 0.00001; TOPMed 0.00002.

Submission:

Labcorp Genetics (formerly Invitae), Labcorp
Classification: Uncertain significance. Last evaluated: 2020-05-07. Review status: criteria provided, single submitter. Criteria: Invitae Variant Classification Sherloc (09022015). Collection method: clinical testing. Allele origin: germline.
Comment: In summary, the available evidence is currently insufficient to determine the role of this variant in disease. Therefore, it has been classified as a Variant of Uncertain Significance. Algorithms developed to predict the effect of missense changes on protein structure and function are either unavailable or do not agree on the potential impact of this missense change (SIFT: "Not Available"; PolyPhen-2: "Benign"; Align-GVGD: "Not Available"). This variant has not been reported in the literature in individuals with UNC119-related conditions. The frequency data for this variant in the population databases is considered unreliable, as metrics indicate insufficient coverage at this position in the ExAC database. This sequence change replaces valine with leucine at codon 3 of the UNC119 protein (p.Val3Leu). The valine residue is weakly conserved and there is a small physicochemical difference between valine and leucine.